The following is an entry in ClinVar:

ClinVar aggregate classification (germline): Benign. Review status: criteria provided, multiple submitters, no conflicts (2 of 4 stars). 2 submissions from 2 submitters: Benign (2). Last evaluated 2018-06-14.

Allele frequency attached by ClinVar (database versions not stated): gnomAD exomes 0.04576; 1000 Genomes Project 0.05611; 1000 Genomes Project 30x 0.05668; gnomAD 0.06322 and 0.06528; TOPMed 0.06761.
gnomAD v4.1: 65,976 of 1,374,382 alleles (4.8%); highest among the groups gnomAD compares: African/African-American, 11%; 1,950 homozygotes.

Submissions (2):

GeneDx
Classification: Benign. Last evaluated: 2018-06-14. Review status: criteria provided, single submitter. Criteria: GeneDx Variant Classification (06012015). Collection method: clinical testing. Allele origin: germline. Affected: yes.
Comment: This variant is considered likely benign or benign based on one or more of the following criteria: it is a conservative change, it occurs at a poorly conserved position in the protein, it is predicted to be benign by multiple in silico algorithms, and/or has population frequency not consistent with disease.

Breakthrough Genomics
Classification: Benign. Review status: criteria provided, single submitter. Criteria: ACMG Guidelines, 2015. Collection method: not provided. Allele origin: germline. Inheritance: Autosomal recessive inheritance. Affected: yes.

NM_001130987.2(DYSF):c.951+82A>G

Gene: DYSF (dysferlin; plus strand). Cytogenetic location: 2p13.2.
Variant type: single nucleotide variant.
Coding change: c.951+82A>G on transcript NM_001130987.2 (MANE Select); 82 bases into the intron after coding-DNA position 951, A replaced by G.
Molecular consequence: intron variant.
Genome position (GRCh38, 1-based): chr2:71,516,324, A>G. VCF-style: chr2-71516324-A-G. GRCh37 (hg19) VCF-style: chr2-71743454-A-G.
Other names: c.948+82A>G (NM_001130979.2, NM_001130981.2, NM_001130980.2); c.855+82A>G (NM_001130978.2, NM_003494.4, NM_001130977.2 and 1 more transcripts); c.951+82A>G (NM_001130982.2, NM_001130985.2); c.858+82A>G (NM_001130983.2, NM_001130455.2, NM_001130984.2 and 1 more transcripts).
Identifiers: ClinVar variation 677484 (VCV000677484.2), dbSNP rs11887692, ClinGen allele CA11274235.